The following is an entry in ClinVar:

ClinVar aggregate classification (germline): Uncertain significance (1 of 4 stars; one submission).

Allele frequency attached by ClinVar (database versions not stated): TOPMed below 0.00001; ExAC 0.00001; gnomAD 0.00001; gnomAD exomes 0.00001.
gnomAD v4.1: 13 of 1,608,816 alleles (0.00081%); highest among the groups gnomAD compares: Middle Eastern, 0.016%; no homozygotes.

Submission:

Labcorp Genetics (formerly Invitae), Labcorp
Classification: Uncertain significance. Last evaluated: 2022-04-26. Review status: criteria provided, single submitter. Criteria: Invitae Variant Classification Sherloc (09022015). Collection method: clinical testing. Allele origin: germline.
Comment: In summary, the available evidence is currently insufficient to determine the role of this variant in disease. Therefore, it has been classified as a Variant of Uncertain Significance. Algorithms developed to predict the effect of missense changes on protein structure and function are either unavailable or do not agree on the potential impact of this missense change (SIFT: "Tolerated"; PolyPhen-2: "Possibly Damaging"; Align-GVGD: "Class C0"). This variant has not been reported in the literature in individuals affected with ATF6-related conditions. This variant is present in population databases (rs762860439, gnomAD 0.003%). This sequence change replaces glutamine, which is neutral and polar, with arginine, which is basic and polar, at codon 511 of the ATF6 protein (p.Gln511Arg).

NM_007348.4(ATF6):c.1532A>G (p.Gln511Arg)

Gene: ATF6 (activating transcription factor 6; plus strand). Cytogenetic location: 1q23.3.
Variant type: single nucleotide variant.
Coding change: c.1532A>G on transcript NM_007348.4 (MANE Select); coding-DNA position 1532, A replaced by G.
Protein change: p.Gln511Arg; replaces glutamine 511 with arginine.
Molecular consequence: missense variant.
Genome position (GRCh38, 1-based): chr1:161,853,322, A>G. VCF-style: chr1-161853322-A-G. GRCh37 (hg19) VCF-style: chr1-161823112-A-G.
Other names: short protein forms Q511R.
Identifiers: ClinVar variation 1391917 (VCV001391917.8), dbSNP rs762860439, ClinGen allele CA1214495.